The following is an entry in ClinVar:

ClinVar aggregate classification (germline): Uncertain significance (1 of 4 stars; one submission).

gnomAD v4.1: 9 of 1,614,166 alleles (0.00056%); highest among the groups gnomAD compares: Admixed American, 0.0017%; no homozygotes.

Submission:

GeneDx
Classification: Uncertain significance. Last evaluated: 2024-09-30. Review status: criteria provided, single submitter. Criteria: GeneDx Variant Classification Process June 2021. Collection method: clinical testing. Allele origin: germline. Affected: yes.
Comment: In silico analysis supports that this missense variant has a deleterious effect on protein structure/function; Has not been previously published as pathogenic or benign to our knowledge

NM_002968.3(SALL1):c.2357G>A (p.Arg786Gln)

Gene: SALL1 (spalt like transcription factor 1; minus strand). Cytogenetic location: 16q12.1.
Variant type: single nucleotide variant.
Coding change: c.2357G>A on transcript NM_002968.3 (MANE Select); coding-DNA position 2357, G replaced by A.
Protein change: p.Arg786Gln; replaces arginine 786 with glutamine.
Molecular consequence: missense variant.
Genome position (GRCh38, 1-based): chr16:51,139,865, C>T on the plus strand (G>A on the coding strand, the complement: SALL1 is on the minus strand). VCF-style: chr16-51139865-C-T. GRCh37 (hg19) VCF-style: chr16-51173776-C-T.
Other names: c.2066G>A, p.Arg689Gln (NM_001127892.2); short protein forms R689Q, R786Q.
Identifiers: ClinVar variation 3774700 (VCV003774700.1).